The following is an entry in ClinVar:

ClinVar aggregate classification (germline): Pathogenic/Likely pathogenic. Review status: criteria provided, multiple submitters, no conflicts (2 of 4 stars). 2 submissions from 2 submitters: Pathogenic (1); Likely pathogenic (1). Last evaluated 2025-09-25.

Conditions:
Cardiovascular phenotype. Identifiers: MedGen CN230736.
Hereditary cancer-predisposing syndrome. Also called: Hereditary neoplastic syndrome; Neoplastic Syndromes, Hereditary; Hereditary Cancer Syndrome; Tumor predisposition. Identifiers: Orphanet 140162, MedGen C0027672, MeSH D009386, MONDO:0015356.
Neurofibromatosis, type 1 (NF1). Also called: Neurofibromatosis, type I; Peripheral type neurofibromatosis; VON RECKLINGHAUSEN DISEASE; NEUROFIBROMATOSIS, TYPE I, SOMATIC. Identifiers: Orphanet 636, MedGen C0027831, MONDO:0018975, OMIM 162200. Disease mechanism: loss of function.

Submissions (2):

NHS Central & South Genomic Laboratory Hub
Classification: Pathogenic for Neurofibromatosis type 1. Last evaluated: 2025-09-25. Review status: criteria provided, single submitter. Criteria: ACMG Guidelines, 2015. Collection method: clinical testing. Allele origin: germline. Affected: yes.

Ambry Genetics
Classification: Likely pathogenic for Cardiovascular phenotype; Hereditary cancer-predisposing syndrome. Last evaluated: 2025-06-24. Review status: criteria provided, single submitter. Criteria: Ambry Variant Classification Scheme 2023. Collection method: clinical testing. Allele origin: germline.
Comment: The c.7126+2T>G intronic variant results from a T to G substitution two nucleotides after coding exon 47 in the NF1 gene. This alteration was detected in multiple individuals with a clinical diagnosis or suspicion of neurofibromatosis type 1 (Bianchessi D et al. Mol Genet Genomic Med, 2015 Nov;3:513-25). This variant is considered to be rare based on population cohorts in the Genome Aggregation Database (gnomAD). This nucleotide position is highly conserved in available vertebrate species. In silico splice site analysis predicts that this alteration will weaken the native splice donor site; however, direct evidence is insufficient at this time (Ambry internal data). Alterations that disrupt the canonical splice site are expected to cause aberrant splicing, resulting in an abnormal protein or a transcript that is subject to nonsense-mediated mRNA decay. As such, this alteration is classified as likely pathogenic.

Literature cited by the submitters: PubMed 26740943 (cited by Ambry Genetics).

NM_001042492.3(NF1):c.7189+2T>G

Gene: NF1 (neurofibromin 1; plus strand). Cytogenetic location: 17q11.2.
Variant type: single nucleotide variant.
Coding change: c.7189+2T>G on transcript NM_001042492.3 (MANE Select); the canonical splice donor site of the intron after coding-DNA position 7189, T replaced by G.
Molecular consequence: splice donor variant.
Genome position (GRCh38, 1-based): chr17:31,343,137, T>G. VCF-style: chr17-31343137-T-G. GRCh37 (hg19) VCF-style: chr17-29670155-T-G.
Other names: c.7126+2T>G (NM_000267.3, NM_000267.4).
Identifiers: ClinVar variation 4087693 (VCV004087693.2).